The following is an entry in ClinVar:

ClinVar aggregate classification (germline): Likely benign. Review status: criteria provided, multiple submitters, no conflicts (2 of 4 stars). 10 submissions from 10 submitters: Likely benign (6). 4 of the submissions do not count toward it. Last evaluated 2026-07-01.

Conditions:
TTN-related disorder. Also called: TTN-related disorders; TTN-related condition; TTN-related disease.
Autosomal recessive limb-girdle muscular dystrophy type 2J (LGMDR10). Also called: Limb-girdle muscular dystrophy, type 2J; MUSCULAR DYSTROPHY, LIMB-GIRDLE, AUTOSOMAL RECESSIVE 10. Identifiers: Orphanet 140922, MedGen C1837342, MONDO:0012127, OMIM 608807.
Dilated cardiomyopathy 1G (CMD1G). Identifiers: Orphanet 154, MedGen C1858763, MONDO:0011400, OMIM 604145.

Allele frequency attached by ClinVar (database versions not stated): ExAC 0.00018; gnomAD exomes 0.00020; 1000 Genomes Project 0.00100; gnomAD 0.00124 and 0.00132; 1000 Genomes Project 30x 0.00125; TOPMed 0.00138.
gnomAD v4.1: 350 of 1,540,880 alleles (0.023%); highest among the groups gnomAD compares: African/African-American, 0.42%; no homozygotes.

Submissions (10):

CeGaT Center for Human Genetics Tuebingen
Classification: Likely benign. Last evaluated: 2026-07-01. Review status: criteria provided, single submitter. Criteria: CeGaT Center For Human Genetics Tuebingen Variant Classification Criteria Version 2. Collection method: clinical testing. Allele origin: germline. Affected: yes. Observed: 5 variant alleles.
Comment: TTN: BP4, BS1

Labcorp Genetics (formerly Invitae), Labcorp
Classification: Likely benign for Dilated cardiomyopathy 1G; Autosomal recessive limb-girdle muscular dystrophy type 2J. Last evaluated: 2026-02-02. Review status: criteria provided, single submitter. Criteria: Invitae Variant Classification Sherloc (09022015). Collection method: clinical testing. Allele origin: germline.

Molecular Diagnostic Laboratory for Inherited Cardiovascular Disease, Montreal Heart Institute
Classification: Likely benign. Last evaluated: 2025-04-09. Review status: criteria provided, single submitter. Criteria: ACMG Guidelines, 2015. Collection method: clinical testing. Allele origin: germline. Affected: no.
Comment: BS1;BP1;BP6

Women's Health and Genetics/Laboratory Corporation of America, LabCorp
Classification: Likely benign. Last evaluated: 2025-01-09. Review status: criteria provided, single submitter. Criteria: LabCorp Variant Classification Summary - May 2015. Collection method: clinical testing. Allele origin: germline.
Comment: Variant summary: TTN c.32594-529A>G is located at a position not widely known to affect splicing. This variant corresponds to c.40223A>G, p.Glu13408Gly in NM_001267550. Several computational tools predict a significant impact on normal splicing: One predicts the variant strengthens a cryptic 5' donor site. Three predict the variant strengthens a cryptic 3' acceptor site. However, these predictions have yet to be confirmed by functional studies. The variant allele was found at a frequency of 0.0002 in 147834 control chromosomes, predominantly at a frequency of 0.0034 within the African or African-American subpopulation in the gnomAD database. The observed variant frequency within African or African-American control individuals in the gnomAD database is approximately 8.71 fold of the estimated maximal expected allele frequency for a pathogenic variant in TTN causing Autosomal Recessive Titinopathy phenotype (0.00039). To our knowledge, c.32594-529A>G has not been reported in the literature in individuals affected with TTN-related conditions. To our knowledge, no experimental evidence demonstrating an impact on protein function has been reported. The following publication has been ascertained in the context of this evaluation (PMID: 30467950). ClinVar contains an entry for this variant (Variation ID: 220885). Based on the evidence outlined above, the variant was classified as likely benign.

Blueprint Genetics
Classification: Likely benign. Last evaluated: 2024-09-03. Review status: criteria provided, single submitter. Criteria: ACMG Guidelines, 2015. Collection method: clinical testing. Allele origin: germline.

GeneDx
Classification: Likely benign. Last evaluated: 2020-06-02. Review status: criteria provided, single submitter. Criteria: GeneDx Variant Classification Process June 2021. Collection method: clinical testing. Allele origin: germline. Affected: yes.

PreventionGenetics, part of Exact Sciences
Classification: Likely benign for TTN-related condition. Last evaluated: 2020-02-18. Review status: no assertion criteria provided. Collection method: clinical testing. Allele origin: germline. Not counted in ClinVar's aggregate classification.
Comment: This variant is classified as likely benign based on ACMG/AMP sequence variant interpretation guidelines (Richards et al. 2015 PMID: 25741868, with internal and published modifications).

Clinical Genetics DNA and cytogenetics Diagnostics Lab, Erasmus MC, Erasmus Medical Center
Classification: Likely benign. Review status: no assertion criteria provided. Collection method: clinical testing. Allele origin: germline. Affected: yes. Study: VKGL Data-share Consensus. Not counted in ClinVar's aggregate classification.

Clinical Genetics, Academic Medical Center
Classification: Benign. Review status: no assertion criteria provided. Collection method: clinical testing. Allele origin: germline. Affected: yes. Study: VKGL Data-share Consensus. Not counted in ClinVar's aggregate classification.

Diagnostic Laboratory, Department of Genetics, University Medical Center Groningen
Classification: Likely benign. Review status: no assertion criteria provided. Collection method: clinical testing. Allele origin: germline. Affected: yes. Study: VKGL Data-share Consensus. Not counted in ClinVar's aggregate classification.

Literature cited by the submitters: PubMed 30467950 (cited by Women's Health and Genetics/Laboratory Corporation of America, LabCorp).

NM_001267550.2(TTN):c.40223A>G (p.Glu13408Gly)

Gene: TTN (titin; minus strand). Cytogenetic location: 2q31.2.
Variant type: single nucleotide variant.
Coding change: c.40223A>G on transcript NM_001267550.2 (MANE Select); coding-DNA position 40223, A replaced by G.
Protein change: p.Glu13408Gly; replaces glutamic acid 13408 with glycine.
Molecular consequence: missense variant. On other transcripts: intron variant (5).
Genome position (GRCh38, 1-based): chr2:178,646,559, T>C on the plus strand (A>G on the coding strand, the complement: TTN is on the minus strand). VCF-style: chr2-178646559-T-C. GRCh37 (hg19) VCF-style: chr2-179511286-T-C.
Other names: c.13283-4242A>G (NM_003319.4); c.13859-4242A>G (NM_133437.4); c.13658-4242A>G (NM_133432.3); c.32594-529A>G (NM_133378.4); c.35375-529A>G (NM_001256850.1); short protein forms E13408G.
Identifiers: ClinVar variation 220885 (VCV000220885.52), dbSNP rs183950862, ClinGen allele CA348503.
Genomic context (GRCh38, chr2:178,646,559, plus strand): 5'-TCTTCAGGCTGTGGTTCAGGTTCGGGCTCTTCAGGTTTAATATACTTTTCAATTTCACGT[T>C]CTTTAAAGAATGTTGACAAAGGAGATGAGGTTGCAATGTAAAGTTCTTCAAAAAGACTCA-3'
Protein context (NP_001254479.2, residues 13398-13418): IGRKETPPVE[Glu13408Gly]REIEKYIKPE